The following is an entry in ClinVar:

ClinVar aggregate classification (germline): Uncertain significance (1 of 4 stars; one submission).

Conditions:
Hyperkalemic periodic paralysis. Also called: Familial hyperkalemic periodic paralysis; Gamstorp disease. Identifiers: Orphanet 682, MedGen C0238357, MONDO:0008224, OMIM 170500, HP:0007215.

gnomAD v4.1: 1 of 1,613,964 alleles (0.000062%); highest among the groups gnomAD compares: African/African-American, 0.0013%; no homozygotes.

Submission:

Labcorp Genetics (formerly Invitae), Labcorp
Classification: Uncertain significance for Hyperkalemic periodic paralysis. Last evaluated: 2025-06-08. Review status: criteria provided, single submitter. Criteria: Invitae Variant Classification Sherloc (09022015). Collection method: clinical testing. Allele origin: germline.
Comment: This sequence change replaces phenylalanine, which is neutral and non-polar, with leucine, which is neutral and non-polar, at codon 287 of the SCN4A protein (p.Phe287Leu). This variant is not present in population databases (gnomAD no frequency). This variant has not been reported in the literature in individuals affected with SCN4A-related conditions. Invitae Evidence Modeling of protein sequence and biophysical properties (such as structural, functional, and spatial information, amino acid conservation, physicochemical variation, residue mobility, and thermodynamic stability) indicates that this missense variant is not expected to disrupt SCN4A protein function with a negative predictive value of 95%. In summary, the available evidence is currently insufficient to determine the role of this variant in disease. Therefore, it has been classified as a Variant of Uncertain Significance.

NM_000334.4(SCN4A):c.859T>C (p.Phe287Leu)

Gene: SCN4A (sodium voltage-gated channel alpha subunit 4; minus strand). Cytogenetic location: 17q23.3.
Variant type: single nucleotide variant.
Coding change: c.859T>C on transcript NM_000334.4 (MANE Select); coding-DNA position 859, T replaced by C.
Protein change: p.Phe287Leu; replaces phenylalanine 287 with leucine.
Molecular consequence: missense variant.
Genome position (GRCh38, 1-based): chr17:63,968,200, A>G on the plus strand (T>C on the coding strand, the complement: SCN4A is on the minus strand). VCF-style: chr17-63968200-A-G. GRCh37 (hg19) VCF-style: chr17-62045560-A-G.
Other names: short protein forms F287L.
Identifiers: ClinVar variation 4737124 (VCV004737124.1).